The following is an entry in ClinVar:

NM_001267550.2(TTN):c.73974_73978del (p.Lys24658_Gly24659insTer)

Genes: TTN (titin; minus strand), TTN-AS1 (TTN antisense RNA 1; plus strand). Cytogenetic location: 2q31.2.
Variant type: Deletion.
Coding change: c.73974_73978del on transcript NM_001267550.2 (MANE Select); coding-DNA positions 73974 to 73978, 5 bases deleted (AGGCA; older notation c.73974_73978delAGGCA).
Protein change: p.Lys24658_Gly24659insTer.
Molecular consequence: frameshift variant.
Genome position (GRCh38, 1-based): chr2:178,572,154-178,572,158, TGCCT deleted on the plus strand (AGGCA on the coding strand, the reverse complement: TTN is on the minus strand); deleting any 5 consecutive bases within chr2:178,572,154-178,572,159 gives the same sequence; the c. name uses the placement nearest the transcript's 3' end. VCF-style (leftmost placement, unchanged base first): chr2-178572153-CTGCCT-C. GRCh37 (hg19) VCF-style: chr2-179436880-CTGCCT-C.
Other names: c.69051_69055del, p.Lys23017_Gly23018insTer (NM_001256850.1); c.46779_46783del, p.Lys15593_Gly15594insTer (NM_003319.4); c.66270_66274del, p.Lys22090_Gly22091insTer (NM_133378.4); c.47154_47158del, p.Lys15718_Gly15719insTer (NM_133432.3); c.47355_47359del, p.Lys15785_Gly15786insTer (NM_133437.4).
Identifiers: ClinVar variation 1500531 (VCV001500531.8), dbSNP rs2154169901, ClinGen allele CA2573134148.

ClinVar aggregate classification (germline): Likely pathogenic (1 of 4 stars; one submission).

Conditions:
Dilated cardiomyopathy 1G (CMD1G). Identifiers: Orphanet 154, MedGen C1858763, MONDO:0011400, OMIM 604145.
Autosomal recessive limb-girdle muscular dystrophy type 2J (LGMDR10). Also called: Limb-girdle muscular dystrophy, type 2J; MUSCULAR DYSTROPHY, LIMB-GIRDLE, AUTOSOMAL RECESSIVE 10. Identifiers: Orphanet 140922, MedGen C1837342, MONDO:0012127, OMIM 608807.

Submission:

Labcorp Genetics (formerly Invitae), Labcorp
Classification: Likely pathogenic for Dilated cardiomyopathy 1G; Autosomal recessive limb-girdle muscular dystrophy type 2J. Last evaluated: 2022-09-07. Review status: criteria provided, single submitter. Criteria: Invitae Variant Classification Sherloc (09022015). Collection method: clinical testing. Allele origin: germline.
Comment: This sequence change creates a premature translational stop signal (p.Gly24659*) in the TTN gene. While this is not anticipated to result in nonsense mediated decay, it is expected to create a truncated TTN protein. This variant is not present in population databases (gnomAD no frequency). This variant has not been reported in the literature in individuals affected with TTN-related conditions. ClinVar contains an entry for this variant (Variation ID: 1500531). This variant is located in the A band of TTN (PMID: 25589632). Truncating variants in this region are significantly overrepresented in patients affected with dilated cardiomyopathy (PMID: 25589632). Truncating variants in this region have also been reported in individuals affected with autosomal recessive centronuclear myopathy (PMID: 23975875). In summary, the currently available evidence indicates that the variant is pathogenic, but additional data are needed to prove that conclusively. Therefore, this variant has been classified as Likely Pathogenic.

Literature cited by the submitters: PubMed 25589632; PubMed 23975875.